The following is an entry in ClinVar:

NM_001161352.2(KCNMA1):c.1990G>A (p.Ala664Thr)

Gene: KCNMA1 (potassium calcium-activated channel subfamily M alpha 1; minus strand). Cytogenetic location: 10q22.3.
Variant type: single nucleotide variant.
Coding change: c.1990G>A on transcript NM_001161352.2 (MANE Select); coding-DNA position 1990, G replaced by A.
Protein change: p.Ala664Thr; replaces alanine 664 with threonine.
Molecular consequence: missense variant.
Genome position (GRCh38, 1-based): chr10:77,019,038, C>T on the plus strand (G>A on the coding strand, the complement: KCNMA1 is on the minus strand). VCF-style: chr10-77019038-C-T. GRCh37 (hg19) VCF-style: chr10-78778796-C-T.
Other names: c.2002G>A, p.Ala668Thr (NM_001014797.3, NM_001322830.2, NM_001322835.2 and 1 more transcripts); c.1990G>A, p.Ala664Thr (NM_001161353.2, NM_001271519.2, NM_001322829.2 and 3 more transcripts); c.1840G>A, p.Ala614Thr (NM_001271518.2); c.1990G>A (NM_002247.3); c.1450G>A, p.Ala484Thr (NM_001322838.2); short protein forms A614T, A484T, A664T, A668T.
Identifiers: ClinVar variation 1382383 (VCV001382383.9), dbSNP rs2092521373, ClinGen allele CA377408155.

ClinVar aggregate classification (germline): Uncertain significance. Review status: criteria provided, multiple submitters, no conflicts (2 of 4 stars). 2 submissions from 2 submitters: Uncertain significance (2). Last evaluated 2026-04-23.

Conditions:
Generalized epilepsy-paroxysmal dyskinesia syndrome (PNKD3). Also called: Paroxysmal nonkinesigenic dyskinesia, 3, with or without generalized epilepsy; Generalized epilepsy and paroxysmal dyskinesia. Identifiers: Orphanet 79137, MedGen C5574945, MONDO:0012276, OMIM 609446.

Allele frequency attached by ClinVar (database versions not stated): gnomAD 0.00001.
gnomAD v4.1: 4 of 1,593,868 alleles (0.00025%); highest among the groups gnomAD compares: African/African-American, 0.0013%; no homozygotes.

Submissions (2):

GeneDx
Classification: Uncertain significance. Last evaluated: 2026-04-23. Review status: criteria provided, single submitter. Criteria: GeneDx Variant Classification Process June 2021. Collection method: clinical testing. Allele origin: germline.
Comment: Not observed at significant frequency in large population cohorts (gnomAD); In silico analysis supports that this missense variant has a deleterious effect on protein structure/function; Has not been previously published as pathogenic or benign to our knowledge

Labcorp Genetics (formerly Invitae), Labcorp
Classification: Uncertain significance for Generalized epilepsy-paroxysmal dyskinesia syndrome. Last evaluated: 2021-12-02. Review status: criteria provided, single submitter. Criteria: Invitae Variant Classification Sherloc (09022015). Collection method: clinical testing. Allele origin: germline.
Comment: In summary, the available evidence is currently insufficient to determine the role of this variant in disease. Therefore, it has been classified as a Variant of Uncertain Significance. Algorithms developed to predict the effect of missense changes on protein structure and function (SIFT, PolyPhen-2, Align-GVGD) all suggest that this variant is likely to be disruptive. This variant has not been reported in the literature in individuals affected with KCNMA1-related conditions. This sequence change replaces alanine, which is neutral and non-polar, with threonine, which is neutral and polar, at codon 664 of the KCNMA1 protein (p.Ala664Thr). This variant is not present in population databases (gnomAD no frequency).